The following is an entry in ClinVar:

ClinVar aggregate classification (germline): Uncertain significance (1 of 4 stars; one submission).

Conditions:
Tumor predisposition syndrome 3 (TPDS3). Also called: Glioma susceptibility 9; LONG TELOMERE SYNDROME, POT1-RELATED; POT1 Tumor Predisposition; Melanoma, cutaneous malignant, susceptibility to, 10. Identifiers: Orphanet 618, MedGen C4014476, MONDO:0014368, OMIM 615848.

Submission:

Labcorp Genetics (formerly Invitae), Labcorp
Classification: Uncertain significance for Tumor predisposition syndrome 3. Last evaluated: 2024-04-06. Review status: criteria provided, single submitter. Criteria: Invitae Variant Classification Sherloc (09022015). Collection method: clinical testing. Allele origin: germline.
Comment: This sequence change replaces leucine, which is neutral and non-polar, with phenylalanine, which is neutral and non-polar, at codon 110 of the POT1 protein (p.Leu110Phe). This variant is not present in population databases (gnomAD no frequency). This variant has not been reported in the literature in individuals affected with POT1-related conditions. Advanced modeling of protein sequence and biophysical properties (such as structural, functional, and spatial information, amino acid conservation, physicochemical variation, residue mobility, and thermodynamic stability) performed at Invitae indicates that this missense variant is not expected to disrupt POT1 protein function with a negative predictive value of 80%. In summary, the available evidence is currently insufficient to determine the role of this variant in disease. Therefore, it has been classified as a Variant of Uncertain Significance.

NM_015450.3(POT1):c.330G>C (p.Leu110Phe)

Gene: POT1 (protection of telomeres 1; minus strand). Cytogenetic location: 7q31.33.
Variant type: single nucleotide variant.
Coding change: c.330G>C on transcript NM_015450.3 (MANE Select); coding-DNA position 330, G replaced by C.
Protein change: p.Leu110Phe; replaces leucine 110 with phenylalanine.
Molecular consequence: missense variant. On other transcripts: 5 prime UTR variant (1), non-coding transcript variant (3).
Genome position (GRCh38, 1-based): chr7:124,863,566, C>G on the plus strand (G>C on the coding strand, the complement: POT1 is on the minus strand). VCF-style: chr7-124863566-C-G. GRCh37 (hg19) VCF-style: chr7-124503620-C-G.
Other names: c.-64G>C (NM_001042594.2); short protein forms L110F.
Identifiers: ClinVar variation 3672822 (VCV003672822.2).